The following is an entry in ClinVar:

ClinVar aggregate classification (germline): Uncertain significance (1 of 4 stars; one submission).

Allele frequency attached by ClinVar (database versions not stated): TOPMed 0.00001.

Submission:

Labcorp Genetics (formerly Invitae), Labcorp
Classification: Uncertain significance. Last evaluated: 2022-01-19. Review status: criteria provided, single submitter. Criteria: Invitae Variant Classification Sherloc (09022015). Collection method: clinical testing. Allele origin: germline.
Comment: In summary, the available evidence is currently insufficient to determine the role of this variant in disease. Therefore, it has been classified as a Variant of Uncertain Significance. Algorithms developed to predict the effect of missense changes on protein structure and function (SIFT, PolyPhen-2, Align-GVGD) all suggest that this variant is likely to be disruptive. This variant has not been reported in the literature in individuals affected with GNB3-related conditions. This variant is not present in population databases (gnomAD no frequency). This sequence change replaces glycine, which is neutral and non-polar, with arginine, which is basic and polar, at codon 324 of the GNB3 protein (p.Gly324Arg).

NM_002075.4(GNB3):c.970G>A (p.Gly324Arg)

Genes: GNB3 (G protein subunit beta 3; plus strand), CDCA3 (cell division cycle associated 3; minus strand). Cytogenetic location: 12p13.31.
Variant type: single nucleotide variant.
Coding change: c.970G>A on transcript NM_002075.4 (MANE Select); coding-DNA position 970, G replaced by A.
Protein change: p.Gly324Arg; replaces glycine 324 with arginine.
Molecular consequence: missense variant. On other transcripts: synonymous variant (1).
Genome position (GRCh38, 1-based): chr12:6,846,845, G>A. VCF-style: chr12-6846845-G-A. GRCh37 (hg19) VCF-style: chr12-6956009-G-A.
Other names: c.967G>A, p.Gly323Arg (NM_001297571.2); c.603C>T, p.Pro201= (NM_001297603.3); short protein forms G323R, G324R.
Identifiers: ClinVar variation 1948302 (VCV001948302.4), dbSNP rs1555124859, ClinGen allele CA383676234.
Genomic context (GRCh38, chr12:6,846,845, plus strand): 5'-TCCTCAGGCATCCTCTCTGGCCACGATAACAGGGTGAGCTGCCTGGGAGTCACAGCTGAC[G>A]GGATGGCTGTGGCCACAGGTTCCTGGGACAGCTTCCTCAAAATCTGGAACTGAGGAGGCT-3'
Protein context (NP_002066.1, residues 314-334): RVSCLGVTAD[Gly324Arg]MAVATGSWDS